The following is an entry in ClinVar:

NM_004260.4(RECQL4):c.2235C>T (p.His745=)

Gene: RECQL4 (RecQ like helicase 4; minus strand). Cytogenetic location: 8q24.3.
Variant type: single nucleotide variant.
Coding change: c.2235C>T on transcript NM_004260.4 (MANE Select); coding-DNA position 2235, C replaced by T.
Protein change: p.His745=; no amino-acid change (histidine 745 retained).
Molecular consequence: synonymous variant.
Genome position (GRCh38, 1-based): chr8:144,513,446, G>A on the plus strand (C>T on the coding strand, the complement: RECQL4 is on the minus strand). VCF-style: chr8-144513446-G-A. GRCh37 (hg19) VCF-style: chr8-145738830-G-A.
Identifiers: ClinVar variation 414240 (VCV000414240.16), dbSNP rs372501393, ClinGen allele CA4948372.
Genomic context (GRCh38, chr8:144,513,446, plus strand): 5'-CAACTGGCCCTGCATGAAGGCTCGCTGTACCCGCCGCCGTTCCCGGCTGCACATGCCCGC[G>A]TGGTAGGCCTCGGCTGTGGTTTTGGGGGCACGACCTTTGGGGAAGACAGGCAGATGGTCA-3'
Protein context (NP_004251.4, residues 735-755): RAPKTTAEAY[His745=]AGMCSRERRR

ClinVar aggregate classification (germline): Likely benign. Review status: criteria provided, multiple submitters, no conflicts (2 of 4 stars). 5 submissions from 5 submitters: Likely benign (4). 1 of the submissions does not count toward it. Last evaluated 2026-02-03.

Conditions:
RECQL4-related disorder. Also called: RECQL4-related disorders; RECQL4-related condition.
Inborn genetic diseases. Identifiers: MedGen C0950123, MeSH D030342.
Hereditary cancer-predisposing syndrome. Also called: Neoplastic Syndromes, Hereditary; Tumor predisposition; Hereditary Cancer Syndrome; Hereditary neoplastic syndrome. Identifiers: Orphanet 140162, MedGen C0027672, MeSH D009386, MONDO:0015356.
Baller-Gerold syndrome (BGS). Also called: CRANIOSYNOSTOSIS WITH RADIAL DEFECTS. Identifiers: Orphanet 1225, MedGen C0265308, MONDO:0009039, OMIM 218600.

Allele frequency attached by ClinVar (database versions not stated): gnomAD exomes 0.00002; ExAC 0.00003; TOPMed 0.00005; gnomAD 0.00006; ESP Exome Variant Server 0.00016.

Submissions (5):

Labcorp Genetics (formerly Invitae), Labcorp
Classification: Likely benign for Baller-Gerold syndrome. Last evaluated: 2026-02-03. Review status: criteria provided, single submitter. Criteria: Invitae Variant Classification Sherloc (09022015). Collection method: clinical testing. Allele origin: germline.

Ambry Genetics
Classification: Likely benign for Inborn genetic diseases. Last evaluated: 2024-11-22. Review status: criteria provided, single submitter. Criteria: Ambry Variant Classification Scheme 2023. Collection method: clinical testing. Allele origin: germline.

Blueprint Genetics
Classification: Likely benign. Last evaluated: 2022-09-06. Review status: criteria provided, single submitter. Criteria: ACMG Guidelines, 2015. Collection method: clinical testing. Allele origin: germline.

Sema4
Classification: Likely benign for Hereditary cancer-predisposing syndrome. Last evaluated: 2021-04-01. Review status: criteria provided, single submitter. Criteria: Sema4 Curation Guidelines. Collection method: curation. Allele origin: germline.

PreventionGenetics, part of Exact Sciences
Classification: Likely benign for RECQL4-related condition. Last evaluated: 2019-08-05. Review status: no assertion criteria provided. Collection method: clinical testing. Allele origin: germline. Not counted in ClinVar's aggregate classification.
Comment: This variant is classified as likely benign based on ACMG/AMP sequence variant interpretation guidelines (Richards et al. 2015 PMID: 25741868, with internal and published modifications).